The following is an entry in ClinVar:

NM_022041.4(GAN):c.896A>G (p.Tyr299Cys)

Gene: GAN (gigaxonin; plus strand). Cytogenetic location: 16q23.2.
Variant type: single nucleotide variant.
Coding change: c.896A>G on transcript NM_022041.4 (MANE Select); coding-DNA position 896, A replaced by G.
Protein change: p.Tyr299Cys; replaces tyrosine 299 with cysteine.
Molecular consequence: missense variant.
Genome position (GRCh38, 1-based): chr16:81,357,854, A>G. VCF-style: chr16-81357854-A-G. GRCh37 (hg19) VCF-style: chr16-81391459-A-G.
Other names: c.257A>G, p.Tyr86Cys (NM_001377486.1); short protein forms Y299C, Y86C.
Identifiers: ClinVar variation 637541 (VCV000637541.4), dbSNP rs1254823893, ClinGen allele CA396873262.

ClinVar aggregate classification (germline): Uncertain significance. Review status: criteria provided, single submitter (1 of 4 stars). 3 submissions from 3 submitters: Uncertain significance (1). 2 of the submissions do not count toward it. Last evaluated 2025-01-13.

Conditions:
Giant axonal neuropathy 1 (GAN1). Also called: GIANT AXONAL NEUROPATHY 1, AUTOSOMAL RECESSIVE; GAN-Related Neurodegeneration. Identifiers: Orphanet 643, MedGen C1850386, MONDO:0009749, OMIM 256850.

Allele frequency attached by ClinVar (database versions not stated): gnomAD exomes below 0.00001; gnomAD 0.00001.
gnomAD v4.1: 2 of 1,613,252 alleles (0.00012%); highest among the groups gnomAD compares: African/African-American, 0.0013%; no homozygotes.

Submissions (3):

Women's Health and Genetics/Laboratory Corporation of America, LabCorp
Classification: Uncertain significance. Last evaluated: 2025-01-13. Review status: criteria provided, single submitter. Criteria: LabCorp Variant Classification Summary - May 2015. Collection method: clinical testing. Allele origin: germline.
Comment: Variant summary: GAN c.896A>G (p.Tyr299Cys) results in a non-conservative amino acid change in the encoded protein sequence. Four of five in-silico tools predict a damaging effect of the variant on protein function. The variant was absent in 251492 control chromosomes. The available data on variant occurrences in the general population are insufficient to allow any conclusion about variant significance. c.896A>G has been reported in the literature in the compound heterozygous state in at least one individual affected with Giant axonal neuropathy 1 (Bruno_2004). These data do not allow any conclusion about variant significance. To our knowledge, no experimental evidence demonstrating an impact on protein function has been reported. The following publication have been ascertained in the context of this evaluation (PMID: 14718689). ClinVar contains an entry for this variant (Variation ID: 637541). Based on the evidence outlined above, the variant was classified as uncertain significance.

Inherited Neuropathy Consortium Ii, University Of Miami
Classification: Uncertain significance for Giant axonal neuropathy 1. Last evaluated: 2016-01-06. Review status: no assertion criteria provided. Collection method: literature only. Allele origin: germline. Affected: yes. Not counted in ClinVar's aggregate classification.

Inherited Neuropathy Consortium
Classification: Uncertain significance for Giant axonal neuropathy. Review status: no assertion criteria provided. Collection method: literature only. Allele origin: germline. Affected: yes. Not counted in ClinVar's aggregate classification.

Literature cited by the submitters: PubMed 14718689 (cited by 3 submitters).